The following is an entry in ClinVar:

NM_000548.5(TSC2):c.5035G>T (p.Glu1679Ter)

Gene: TSC2 (TSC complex subunit 2; plus strand). Cytogenetic location: 16p13.3.
Variant type: single nucleotide variant.
Coding change: c.5035G>T on transcript NM_000548.5 (MANE Select); coding-DNA position 5035, G replaced by T.
Protein change: p.Glu1679Ter; replaces glutamic acid 1679 with a stop codon.
Molecular consequence: nonsense. On other transcripts: non-coding transcript variant (5).
Genome position (GRCh38, 1-based): chr16:2,087,908, G>T. VCF-style: chr16-2087908-G-T. GRCh37 (hg19) VCF-style: chr16-2137909-G-T.
Other names: c.4834G>T, p.Glu1612Ter (NM_001077183.3); c.4966G>T, p.Glu1656Ter (NM_001114382.3); c.4726G>T, p.Glu1576Ter (NM_001318827.2); c.4690G>T, p.Glu1564Ter (NM_001318829.2); c.4303G>T, p.Glu1435Ter (NM_001318831.2); c.4867G>T, p.Glu1623Ter (NM_001318832.2); c.4837G>T, p.Glu1613Ter (NM_001363528.2); c.4819G>T, p.Glu1607Ter (NM_001406675.1); and 26 more; short protein forms E1078*, E1188*, E1413*, E1455*, E1456*, E1564*, E1609*, E1642*.
Identifiers: ClinVar variation 3649277 (VCV003649277.2).

ClinVar aggregate classification (germline): Pathogenic (1 of 4 stars; one submission).

Conditions:
Tuberous sclerosis 2 (TSC2). Identifiers: Orphanet 805, MedGen C1860707, MONDO:0013199, OMIM 613254.

Submission:

Labcorp Genetics (formerly Invitae), Labcorp
Classification: Pathogenic for Tuberous sclerosis 2. Last evaluated: 2024-04-09. Review status: criteria provided, single submitter. Criteria: Invitae Variant Classification Sherloc (09022015). Collection method: clinical testing. Allele origin: germline.
Comment: This sequence change creates a premature translational stop signal (p.Glu1679*) in the TSC2 gene. It is expected to result in an absent or disrupted protein product. Loss-of-function variants in TSC2 are known to be pathogenic (PMID: 10205261, 17304050). This variant is not present in population databases (gnomAD no frequency). This variant has not been reported in the literature in individuals affected with TSC2-related conditions. For these reasons, this variant has been classified as Pathogenic.

Literature cited by the submitters: PubMed 10205261; PubMed 17304050.